The following is an entry in ClinVar:

NM_000243.3(MEFV):c.1432C>T (p.His478Tyr)

Gene: MEFV (MEFV innate immunity regulator, pyrin; minus strand). Cytogenetic location: 16p13.3.
Variant type: single nucleotide variant.
Coding change: c.1432C>T on transcript NM_000243.3 (MANE Select); coding-DNA position 1432, C replaced by T.
Protein change: p.His478Tyr; replaces histidine 478 with tyrosine.
Molecular consequence: missense variant.
Genome position (GRCh38, 1-based): chr16:3,247,171, G>A on the plus strand (C>T on the coding strand, the complement: MEFV is on the minus strand). VCF-style: chr16-3247171-G-A. GRCh37 (hg19) VCF-style: chr16-3297171-G-A.
Other names: c.799C>T, p.His267Tyr (NM_001198536.2); short protein forms H478Y, H267Y.
Identifiers: ClinVar variation 2557 (VCV000002557.51), dbSNP rs104895105, ClinGen allele CA115610.

ClinVar aggregate classification (germline): Conflicting classifications of pathogenicity. Review status: criteria provided, conflicting classifications (1 of 4 stars). 10 submissions from 8 submitters: Likely pathogenic (1); Uncertain significance (5); Likely benign (2). 2 of the submissions do not count toward it. Last evaluated 2024-10-15.

Conditions:
MEFV-related disorder. Also called: MEFV-related disorders; MEFV-related condition.
Acute febrile neutrophilic dermatosis (AFND). Also called: Sweet Syndrome; Gomm Button disease. Identifiers: Orphanet 3243, MedGen C0085077, MONDO:0011959, OMIM 608068.
Familial Mediterranean fever (FMF). Also called: POLYSEROSITIS, FAMILIAL PAROXYSMAL; POLYSEROSITIS, RECURRENT; Periodic peritonitis; Benign paroxysmal peritonitis. Identifiers: Orphanet 342, MedGen C0031069, MONDO:0018088, OMIM 249100. Disease mechanism: gain of function.
Familial Mediterranean fever, autosomal dominant. Also called: Dominant Familial Mediterranean Fever; FMF, AUTOSOMAL DOMINANT. Identifiers: Orphanet 342, MedGen C1851347, MONDO:0007601, OMIM 134610.

Submissions (10):

Labcorp Genetics (formerly Invitae), Labcorp
Classification: Uncertain significance for Familial Mediterranean fever. Last evaluated: 2024-10-15. Review status: criteria provided, single submitter. Criteria: Invitae Variant Classification Sherloc (09022015). Collection method: clinical testing. Allele origin: germline.
Comment: This sequence change replaces histidine, which is basic and polar, with tyrosine, which is neutral and polar, at codon 478 of the MEFV protein (p.His478Tyr). This variant is not present in population databases (gnomAD no frequency). This missense change has been observed in individual(s) with familial Mediterranean fever (PMID: 14679589). ClinVar contains an entry for this variant (Variation ID: 2557). An algorithm developed to predict the effect of missense changes on protein structure and function (PolyPhen-2) suggests that this variant is likely to be tolerated. In summary, the available evidence is currently insufficient to determine the role of this variant in disease. Therefore, it has been classified as a Variant of Uncertain Significance.

Genome-Nilou Lab
Classification: Uncertain significance for Familial Mediterranean fever. Last evaluated: 2023-02-08. Review status: criteria provided, single submitter. Criteria: ACMG Guidelines, 2015. Collection method: clinical testing. Allele origin: germline.

Genome-Nilou Lab
Classification: Likely benign for Familial Mediterranean fever, autosomal dominant. Last evaluated: 2023-02-08. Review status: criteria provided, single submitter. Criteria: ACMG Guidelines, 2015. Collection method: clinical testing. Allele origin: germline.

Genome-Nilou Lab
Classification: Likely benign for Acute febrile neutrophilic dermatosis. Last evaluated: 2023-02-08. Review status: criteria provided, single submitter. Criteria: ACMG Guidelines, 2015. Collection method: clinical testing. Allele origin: germline.

CeGaT Center for Human Genetics Tuebingen
Classification: Uncertain significance. Last evaluated: 2022-07-01. Review status: criteria provided, single submitter. Criteria: CeGaT Center For Human Genetics Tuebingen Variant Classification Criteria Version 2. Collection method: clinical testing. Allele origin: germline. Affected: yes. Observed: 1 variant allele.
Comment: MEFV: PM2, PP1:Moderate, PP4, BP4

GeneDx
Classification: Uncertain significance. Last evaluated: 2022-06-21. Review status: criteria provided, single submitter. Criteria: GeneDx Variant Classification Process June 2021. Collection method: clinical testing. Allele origin: germline. Affected: yes.
Comment: Reported in published literature in individuals from a family with an autosomal dominant periodic inflammatory disorder with renal AA amyloidosis and was found to exclusively co-segregate with the disease in all individuals tested (Aldea et al., 2004); In silico analysis, which includes protein predictors and evolutionary conservation, supports that this variant does not alter protein structure/function; Not observed at significant frequency in large population cohorts (gnomAD); This variant is associated with the following publications: (PMID: 19479870, 22614345, 18328141, 29260407, 23844200, 23031807, 27225717, 15024744, 14679589)

Mendelics
Classification: Uncertain significance for Familial Mediterranean fever. Last evaluated: 2019-05-28. Review status: criteria provided, single submitter. Criteria: Mendelics Assertion Criteria 2017. Collection method: clinical testing. Allele origin: unknown.

Blueprint Genetics
Classification: Likely pathogenic for MEFV-related disorders. Last evaluated: 2019-01-15. Review status: criteria provided, single submitter. Criteria: ACMG Guidelines, 2015. Collection method: clinical testing. Allele origin: germline. Affected: yes. Observed: 2 variant alleles.

OMIM
Classification: Pathogenic for FAMILIAL MEDITERRANEAN FEVER, AUTOSOMAL DOMINANT. Last evaluated: 2004-01-01. Review status: no assertion criteria provided. Collection method: literature only. Allele origin: germline. Not counted in ClinVar's aggregate classification.

Unité médicale des maladies autoinflammatoires, CHRU Montpellier
No classification provided. Condition: Familial Mediterranean fever. Review status: no classification provided. Collection method: not provided. Allele origin: unknown. Not counted in ClinVar's aggregate classification.

Literature cited by the submitters: PubMed 14679589 (cited by Labcorp Genetics (formerly Invitae), Labcorp and OMIM).